The following is an entry in ClinVar:

ClinVar aggregate classification (germline): Uncertain significance (1 of 4 stars; one submission).

Conditions:
Cardiovascular phenotype. Identifiers: MedGen CN230736.

Submission:

Ambry Genetics
Classification: Uncertain significance for Cardiovascular phenotype. Last evaluated: 2026-01-22. Review status: criteria provided, single submitter. Criteria: Ambry Variant Classification Scheme 2023. Collection method: clinical testing. Allele origin: germline.
Comment: The p.N1292K variant (also known as c.3876C>A), located in coding exon 25 of the APOB gene, results from a C to A substitution at nucleotide position 3876. The asparagine at codon 1292 is replaced by lysine, an amino acid with similar properties. This variant was reported in individual(s) with features consistent with hypercholesterolemia (Ambry internal data). This amino acid position is not well conserved in available vertebrate species. In addition, this alteration is predicted to be tolerated by in silico analysis. Based on the available evidence, the clinical significance of this variant remains unclear for autosomal dominant hypercholesterolemia; however, it is unlikely to be causative of autosomal recessive hypobetalipoproteinemia.

NM_000384.3(APOB):c.3876C>A (p.Asn1292Lys)

Gene: APOB (apolipoprotein B; minus strand). Cytogenetic location: 2p24.1.
Variant type: single nucleotide variant.
Coding change: c.3876C>A on transcript NM_000384.3 (MANE Select); coding-DNA position 3876, C replaced by A.
Protein change: p.Asn1292Lys; replaces asparagine 1292 with lysine.
Molecular consequence: missense variant.
Genome position (GRCh38, 1-based): chr2:21,013,500, G>T on the plus strand (C>A on the coding strand, the complement: APOB is on the minus strand). VCF-style: chr2-21013500-G-T. GRCh37 (hg19) VCF-style: chr2-21236372-G-T.
Other names: short protein forms N1292K.
Identifiers: ClinVar variation 4842891 (VCV004842891.1).